The following is an entry in ClinVar:

NM_012073.5(CCT5):c.873A>C (p.Gln291His)

Gene: CCT5 (chaperonin containing TCP1 subunit 5; plus strand). Cytogenetic location: 5p15.2.
Variant type: single nucleotide variant.
Coding change: c.873A>C on transcript NM_012073.5 (MANE Select); coding-DNA position 873, A replaced by C.
Protein change: p.Gln291His; replaces glutamine 291 with histidine.
Molecular consequence: missense variant.
Genome position (GRCh38, 1-based): chr5:10,258,535, A>C. VCF-style: chr5-10258535-A-C. GRCh37 (hg19) VCF-style: chr5-10258647-A-C.
Other names: c.810A>C, p.Gln270His (NM_001306153.1); c.708A>C, p.Gln236His (NM_001306154.2); c.594A>C, p.Gln198His (NM_001306155.2); c.759A>C, p.Gln253His (NM_001306156.2); short protein forms Q291H, Q198H, Q236H, Q253H, Q270H.
Identifiers: ClinVar variation 3666349 (VCV003666349.2).
Genomic context (GRCh38, chr5:10,258,535, plus strand): 5'-CGAAGATTATAAAGCCCTTCAGAAATACGAAAAGGAGAAATTTGAAGAGATGATTCAACA[A>C]GTAAGTCTTACCAGAGTCCTCAGTGGAATTTAAACTCCCAAAGGGTACAGTTAGTTAGGT-3'
Protein context (NP_036205.1, residues 281-301): EKEKFEEMIQ[Gln291His]IKETGANLAI

ClinVar aggregate classification (germline): Uncertain significance (1 of 4 stars; one submission).

Conditions:
Hereditary sensory and autonomic neuropathy with spastic paraplegia (HSNSP). Identifiers: Orphanet 139578, MedGen C1850395, MONDO:0009748, OMIM 256840.

gnomAD v4.1: 13 of 1,613,086 alleles (0.00081%); highest among the groups gnomAD compares: African/African-American, 0.015%; no homozygotes.

Submission:

Labcorp Genetics (formerly Invitae), Labcorp
Classification: Uncertain significance for Hereditary sensory and autonomic neuropathy with spastic paraplegia. Last evaluated: 2024-05-17. Review status: criteria provided, single submitter. Criteria: Invitae Variant Classification Sherloc (09022015). Collection method: clinical testing. Allele origin: germline.
Comment: This sequence change replaces glutamine, which is neutral and polar, with histidine, which is basic and polar, at codon 291 of the CCT5 protein (p.Gln291His). This variant is present in population databases (rs200034738, gnomAD 0.03%). This variant has not been reported in the literature in individuals affected with CCT5-related conditions. Experimental studies and prediction algorithms are not available or were not evaluated, and the functional significance of this variant is currently unknown. In summary, the available evidence is currently insufficient to determine the role of this variant in disease. Therefore, it has been classified as a Variant of Uncertain Significance.